The following is an entry in ClinVar:

NM_206933.4(USH2A):c.6505dup (p.Ile2169fs)

Gene: USH2A (usherin; minus strand). Cytogenetic location: 1q41.
Variant type: Duplication.
Coding change: c.6505dup on transcript NM_206933.4 (MANE Select); coding-DNA position 6505, one base duplicated (A; older notation c.6505dupA).
Protein change: p.Ile2169fs; shifts the reading frame from isoleucine 2169.
Molecular consequence: frameshift variant.
Genome position (GRCh38, 1-based): chr1:215,999,039, T duplicated on the plus strand (A on the coding strand, the reverse complement: USH2A is on the minus strand); the first of 5 consecutive T bases (chr1:215,999,039-215,999,043); duplicating any one gives the same sequence. VCF-style (leftmost placement, unchanged base first): chr1-215999038-A-AT. GRCh37 (hg19) VCF-style: chr1-216172380-A-AT.
Other names: short protein forms I2169fs.
Identifiers: ClinVar variation 4805467 (VCV004805467.1).

ClinVar aggregate classification (germline): Pathogenic (1 of 4 stars; one submission).

Submission:

Labcorp Genetics (formerly Invitae), Labcorp
Classification: Pathogenic. Last evaluated: 2025-05-11. Review status: criteria provided, single submitter. Criteria: Invitae Variant Classification Sherloc (09022015). Collection method: clinical testing. Allele origin: germline.
Comment: This sequence change creates a premature translational stop signal (p.Ile2169Asnfs*18) in the USH2A gene. It is expected to result in an absent or disrupted protein product. Loss-of-function variants in USH2A are known to be pathogenic (PMID: 10729113, 10909849, 20507924, 25649381). This variant is not present in population databases (gnomAD no frequency). This variant has not been reported in the literature in individuals affected with USH2A-related conditions. For these reasons, this variant has been classified as Pathogenic.

Literature cited by the submitters: PubMed 10729113; PubMed 10909849; PubMed 20507924; PubMed 25649381.